The following is an entry in ClinVar:

ClinVar aggregate classification (germline): Uncertain significance. Review status: criteria provided, multiple submitters, no conflicts (2 of 4 stars). 3 submissions from 3 submitters: Uncertain significance (3). Last evaluated 2024-06-30.

Conditions:
Inborn genetic diseases. Identifiers: MedGen C0950123, MeSH D030342.
Hyperinsulinemic hypoglycemia, familial, 1 (HHF1). Also called: Persistent hyperinsulinemic hypoglycemia of infancy; Persistent Hyperinsulinemia Hypoglycemia of Infancy; HYPERINSULINISM, FAMILIAL, WITH PANCREATIC NESIDIOBLASTOSIS; HYPOGLYCEMIA, HYPERINSULINEMIC, OF INFANCY; NESIDIOBLASTOSIS OF PANCREAS. Identifiers: Orphanet 276575, Orphanet 276598, MedGen C2931832, MONDO:0009734, OMIM 256450.
Leucine-induced hypoglycemia (LIH). Also called: LEUCINE-SENSITIVE HYPOGLYCEMIA OF INFANCY. Identifiers: MedGen C0271714, MONDO:0009415, OMIM 240800.
Type 2 diabetes mellitus. Also called: Type II diabetes mellitus. Identifiers: MedGen C0011860, MeSH D003924, MONDO:0005148, OMIM 125853, HP:0005978.
Diabetes mellitus, transient neonatal, 2 (TNDM2). Identifiers: Orphanet 99886, MedGen C1835887, MONDO:0012480, OMIM 610374. Disease mechanism: loss of function.
Diabetes mellitus, permanent neonatal 3. Also called: ABCC8-Related Permanent Neonatal Diabetes Mellitus. Identifiers: MedGen C5394303, MONDO:0030088, OMIM 618857.

Allele frequency attached by ClinVar (database versions not stated): ExAC 0.00002; gnomAD exomes 0.00002; gnomAD 0.00007 and 0.00008; TOPMed 0.00010.
gnomAD v4.1: 21 of 1,614,028 alleles (0.0013%); highest among the groups gnomAD compares: African/African-American, 0.019%; no homozygotes.

Submissions (3):

Ambry Genetics
Classification: Uncertain significance for Inborn genetic diseases. Last evaluated: 2024-06-30. Review status: criteria provided, single submitter. Criteria: Ambry Variant Classification Scheme 2023. Collection method: clinical testing. Allele origin: germline.
Comment: The p.D325N variant (also known as c.973G>A), located in coding exon 6 of the ABCC8 gene, results from a G to A substitution at nucleotide position 973. The aspartic acid at codon 325 is replaced by asparagine, an amino acid with highly similar properties. This amino acid position is conserved. In addition, this alteration is predicted to be tolerated by in silico analysis. Since supporting evidence is limited at this time, the clinical significance of this alteration remains unclear.

Fulgent Genetics
Classification: Uncertain significance for Type 2 diabetes mellitus; Leucine-induced hypoglycemia; Hyperinsulinemic hypoglycemia, familial, 1; Diabetes mellitus, transient neonatal, 2; Diabetes mellitus, permanent neonatal 3. Last evaluated: 2023-12-21. Review status: criteria provided, single submitter. Criteria: ACMG Guidelines, 2015. Collection method: clinical testing. Allele origin: germline.

Genetic Services Laboratory, University of Chicago
Classification: Uncertain significance. Last evaluated: 2020-06-26. Review status: criteria provided, single submitter. Criteria: ACMG Guidelines, 2015. Collection method: clinical testing. Allele origin: germline. Affected: no.

NM_000352.6(ABCC8):c.973G>A (p.Asp325Asn)

Gene: ABCC8 (ATP binding cassette subfamily C member 8; minus strand). Cytogenetic location: 11p15.1.
Variant type: single nucleotide variant.
Coding change: c.973G>A on transcript NM_000352.6 (MANE Select); coding-DNA position 973, G replaced by A.
Protein change: p.Asp325Asn; replaces aspartic acid 325 with asparagine.
Molecular consequence: missense variant. On other transcripts: non-coding transcript variant (1).
Genome position (GRCh38, 1-based): chr11:17,460,526, C>T on the plus strand (G>A on the coding strand, the complement: ABCC8 is on the minus strand). VCF-style: chr11-17460526-C-T. GRCh37 (hg19) VCF-style: chr11-17482073-C-T.
Other names: c.973G>A, p.Asp325Asn (NM_001287174.3, NM_001351295.2); c.970G>A, p.Asp324Asn (NM_001351296.2, NM_001351297.2); short protein forms D324N, D325N.
Identifiers: ClinVar variation 1338594 (VCV001338594.9), dbSNP rs781480098, ClinGen allele CA5903713.